The following is an entry in ClinVar:

NM_002180.3(IGHMBP2):c.1813C>T (p.Arg605Ter)

Gene: IGHMBP2 (immunoglobulin mu DNA binding protein 2; plus strand). Cytogenetic location: 11q13.3.
Variant type: single nucleotide variant.
Coding change: c.1813C>T on transcript NM_002180.3 (MANE Select); coding-DNA position 1813, C replaced by T.
Protein change: p.Arg605Ter; replaces arginine 605 with a stop codon.
Molecular consequence: nonsense.
Genome position (GRCh38, 1-based): chr11:68,936,293, C>T. VCF-style: chr11-68936293-C-T. GRCh37 (hg19) VCF-style: chr11-68703761-C-T.
Other names: short protein forms R605*.
Identifiers: ClinVar variation 488694 (VCV000488694.18), dbSNP rs991227431, ClinGen allele CA223412991.

ClinVar aggregate classification (germline): Pathogenic/Likely pathogenic. Review status: criteria provided, multiple submitters, no conflicts (2 of 4 stars). 9 submissions from 8 submitters: Pathogenic (5); Likely pathogenic (1). 3 of the submissions do not count toward it. Last evaluated 2025-09-24.

Conditions:
autosomal recessive IGHMBP2-related neuropathy.
Distal spinal muscular atrophy. Also called: Distal hereditary motor neuronopathy; Distal hereditary motor neuropathy. Identifiers: Orphanet 53739, MedGen C0393541, MONDO:0018894.
Autosomal recessive distal spinal muscular atrophy 1. Also called: HMN VI; NEURONOPATHY, SEVERE INFANTILE AXONAL, WITH RESPIRATORY FAILURE; SEVERE INFANTILE AXONAL NEUROPATHY WITH RESPIRATORY FAILURE; SPINAL MUSCULAR ATROPHY, DIAPHRAGMATIC; Spinal muscular atrophy with respiratory distress 1; NEURONOPATHY, DISTAL HEREDITARY MOTOR, HARDING TYPE VI. Identifiers: Orphanet 98920, MedGen C1858517, MONDO:0011436, OMIM 604320.
Charcot-Marie-Tooth disease axonal type 2S. Also called: CHARCOT-MARIE-TOOTH NEUROPATHY, TYPE 2S; CHARCOT-MARIE-TOOTH DISEASE, AXONAL, AUTOSOMAL RECESSIVE, TYPE 2S. Identifiers: Orphanet 443073, MedGen C4015349, MONDO:0014511, OMIM 616155.
Charcot-Marie-Tooth disease. Also called: Charcot-Marie-Tooth Neuropathy; Charcot-Marie-Tooth Hereditary Neuropathy. Identifiers: Orphanet 166, MedGen C0007959, MONDO:0015626.

Allele frequency attached by ClinVar (database versions not stated): TOPMed 0.00001; gnomAD exomes 0.00005 and 0.00002; gnomAD 0.00001.
gnomAD v4.1: 67 of 1,614,008 alleles (0.0042%); highest among the groups gnomAD compares: Non-Finnish European, 0.005%; no homozygotes.

Submissions (9):

Genesolutions, Medical Genetics Institutes, Ho Chi Minh City, Vietnam
Classification: Pathogenic for Charcot-Marie-Tooth disease axonal type 2S. Last evaluated: 2025-09-24. Review status: criteria provided, single submitter. Criteria: ACMG Guidelines, 2015. Collection method: clinical testing. Allele origin: germline. Affected: yes.

Division of Genetic & Genomic Pathology, Hong Kong Children's Hospital
Classification: Likely pathogenic for autosomal recessive IGHMBP2-related neuropathy. Last evaluated: 2025-08-26. Review status: criteria provided, single submitter. Criteria: ACMG Guidelines, 2015. Collection method: clinical testing. Allele origin: germline. Affected: yes.
Comment: IGHMBP2 c.1813C>T p.(Arg605*) is a nonsense variant located in exon 13 (out of 15 exons). It creates a premature stop codon and is predicted to cause loss of normal protein function either by protein truncation or nonsense-mediated mRNA decay. Loss-of-function variants in IGHMBP2 are known to be pathogenic (PMID: 14681881, 25439726). This variant is present in population controls (gnomAD v4.1.0: 67 in 1,614,008 alleles in all populations, no homozygotes). It has been deposited in ClinVar as pathogenic (VCV000488694.15), and detected in multiple patients with autosomal recessive IGHMBP2-related disorders in homozygous state or in compound heterozygous state (PMID: 14681881, 25439726 and 38415210). For these reasons, IGHMBP2 c.1813C>T p.(Arg605*) is classified as likely pathogenic. This variant is in trans with another missense likely pathogenic variant.

3billion
Classification: Pathogenic for Autosomal recessive distal spinal muscular atrophy 1. Last evaluated: 2025-07-31. Review status: criteria provided, single submitter. Criteria: ACMG Guidelines, 2015. Collection method: clinical testing. Allele origin: germline. Affected: yes.
Comment: The variant is observed at an extremely low frequency in the gnomAD v4.1.0 dataset (total allele frequency: 0.004%). Predicted Consequence/Location: Stop-gained (nonsense): predicted to result in a loss or disruption of normal protein function through nonsense-mediated decay (NMD) or protein truncation. Multiple pathogenic variants are reported downstream of the variant. The variant has been reported at least twice as pathogenic with clinical assertions and evidence for the classification (ClinVar ID: VCV000488694 /PMID: 14681881). Therefore, this variant is classified as Pathogenic according to the recommendation of ACMG/AMP guideline.

Fulgent Genetics
Classification: Pathogenic for Autosomal recessive distal spinal muscular atrophy 1; Charcot-Marie-Tooth disease axonal type 2S. Last evaluated: 2024-02-20. Review status: criteria provided, single submitter. Criteria: ACMG Guidelines, 2015. Collection method: clinical testing. Allele origin: germline.

Labcorp Genetics (formerly Invitae), Labcorp
Classification: Pathogenic for Autosomal recessive distal spinal muscular atrophy 1; Charcot-Marie-Tooth disease axonal type 2S. Last evaluated: 2024-01-05. Review status: criteria provided, single submitter. Criteria: Invitae Variant Classification Sherloc (09022015). Collection method: clinical testing. Allele origin: germline.
Comment: This sequence change creates a premature translational stop signal (p.Arg605*) in the IGHMBP2 gene. It is expected to result in an absent or disrupted protein product. Loss-of-function variants in IGHMBP2 are known to be pathogenic (PMID: 14681881, 25439726, 25568292). This variant is present in population databases (no rsID available, gnomAD 0.01%). This premature translational stop signal has been observed in individuals with autosomal recessive spinal muscular atrophy with respiratory distress type 1 and Charcot-Marie Tooth disease type 2 (PMID: 14681881, 25439726). ClinVar contains an entry for this variant (Variation ID: 488694). For these reasons, this variant has been classified as Pathogenic.

GeneDx
Classification: Pathogenic. Last evaluated: 2021-09-27. Review status: criteria provided, single submitter. Criteria: GeneDx Variant Classification Process June 2021. Collection method: clinical testing. Allele origin: germline. Affected: yes.
Comment: Nonsense variant predicted to result in protein truncation or nonsense mediated decay in a gene for which loss-of-function is a known mechanism of disease; Not observed at significant frequency in large population cohorts (Lek et al., 2016); Reported previously in a patient with spinal muscular atrophy with respiratory distress type 1 in the published literature (Grohmann et al., 2003); This variant is associated with the following publications: (PMID: 25525159, 15108294, 17431882, 31589614, 25439726, 14681881)

Genesis Genome Database
Classification: Uncertain significance for Charcot-Marie-Tooth disease. Last evaluated: 2019-08-14. Review status: no assertion criteria provided. Collection method: research. Allele origin: germline. Affected: yes. Not counted in ClinVar's aggregate classification.

Genesis Genome Database
Classification: Uncertain significance for Distal spinal muscular atrophy. Last evaluated: 2019-08-14. Review status: no assertion criteria provided. Collection method: research. Allele origin: germline. Affected: yes. Not counted in ClinVar's aggregate classification.

Inherited Neuropathy Consortium
Classification: Uncertain significance for Distal spinal muscular atrophy. Review status: no assertion criteria provided. Collection method: literature only. Allele origin: germline. Affected: yes. Not counted in ClinVar's aggregate classification.

Literature cited by the submitters: PubMed 14681881 (cited by 3 submitters); PubMed 25439726 (cited by Division of Genetic & Genomic Pathology, Hong Kong Children's Hospital and Labcorp Genetics (formerly Invitae), Labcorp); PubMed 38415210 (cited by Division of Genetic & Genomic Pathology, Hong Kong Children's Hospital); PubMed 25568292 (cited by Labcorp Genetics (formerly Invitae), Labcorp); PubMed 17431882 (cited by Inherited Neuropathy Consortium).